The following is an entry in ClinVar:

ClinVar aggregate classification (germline): Uncertain significance. Review status: criteria provided, multiple submitters, no conflicts (2 of 4 stars). 5 submissions from 5 submitters: Uncertain significance (2). 3 of the submissions do not count toward it. Last evaluated 2022-08-10.

Conditions:
DST-related disorder. Also called: DST-related condition; DST-related disorders.
Inborn genetic diseases. Identifiers: MedGen C0950123, MeSH D030342.
Hereditary sensory and autonomic neuropathy type 6. Also called: Neuropathy, hereditary sensory and autonomic, type VI; HSAN VI. Identifiers: Orphanet 314381, MedGen C3539003, MONDO:0013839, OMIM 614653.
Epidermolysis bullosa simplex 3, localized or generalized intermediate, with BP230 deficiency (EBS3). Also called: Epidermolysis bullosa simplex, autosomal recessive 2; Epidermolysis bullosa simplex due to BP230 deficiency. Identifiers: Orphanet 412181, MedGen C3809470, MONDO:0014180, OMIM 615425.

Allele frequency attached by ClinVar (database versions not stated): ExAC 0.00004; gnomAD 0.00004 and 0.00006; gnomAD exomes 0.00005; TOPMed 0.00009; ESP Exome Variant Server 0.00016.
gnomAD v4.1: 93 of 1,574,524 alleles (0.0059%); highest among the groups gnomAD compares: Middle Eastern, 0.051%; no homozygotes.

Submissions (5):

Labcorp Genetics (formerly Invitae), Labcorp
Classification: Uncertain significance for Epidermolysis bullosa simplex 3, localized or generalized intermediate, with BP230 deficiency; Hereditary sensory and autonomic neuropathy type 6. Last evaluated: 2022-08-10. Review status: criteria provided, single submitter. Criteria: Invitae Variant Classification Sherloc (09022015). Collection method: clinical testing. Allele origin: germline.
Comment: The DST gene has multiple clinically relevant transcripts. This variant occurs in alternate transcript NM_015548.4, and corresponds to NM_001723.5:c.*151955A>G in the primary transcript. This sequence change falls in intron 81 of the DST gene. It does not directly change the encoded amino acid sequence of the DST protein. It affects a nucleotide within the consensus splice site. This variant is present in population databases (rs375303601, gnomAD 0.008%). This variant has not been reported in the literature in individuals affected with DST-related conditions. Variants that disrupt the consensus splice site are a relatively common cause of aberrant splicing (PMID: 17576681, 9536098). Algorithms developed to predict the effect of sequence changes on RNA splicing suggest that this variant may disrupt the consensus splice site. In summary, the available evidence is currently insufficient to determine the role of this variant in disease. Therefore, it has been classified as a Variant of Uncertain Significance.

Ambry Genetics
Classification: Uncertain significance for Inborn genetic diseases. Last evaluated: 2020-05-15. Review status: criteria provided, single submitter. Criteria: Ambry Variant Classification Scheme 2023. Collection method: clinical testing. Allele origin: germline.
Comment: The c.16530+3A>G intronic variant results from an A to G substitution 3 nucleotides after coding exon 94 in the DST gene. This nucleotide position is well conserved in available vertebrate species. Using the BDGP and ESEfinder splice site prediction tools, this alteration is not predicted to have any significant effect on this splice donor site; however, direct evidence is unavailable. Since supporting evidence is limited at this time, the clinical significance of this alteration remains unclear.

PreventionGenetics, part of Exact Sciences
Classification: Likely benign for DST-related condition. Last evaluated: 2023-05-17. Review status: no assertion criteria provided. Collection method: clinical testing. Allele origin: germline. Not counted in ClinVar's aggregate classification.
Comment: This variant is classified as likely benign based on ACMG/AMP sequence variant interpretation guidelines (Richards et al. 2015 PMID: 25741868, with internal and published modifications).

Clinical Genetics DNA and cytogenetics Diagnostics Lab, Erasmus MC, Erasmus Medical Center
Classification: Likely benign. Review status: no assertion criteria provided. Collection method: clinical testing. Allele origin: germline. Affected: yes. Study: VKGL Data-share Consensus. Not counted in ClinVar's aggregate classification.

Clinical Genetics, Academic Medical Center
Classification: Likely benign. Review status: no assertion criteria provided. Collection method: clinical testing. Allele origin: germline. Affected: yes. Study: VKGL Data-share Consensus. Not counted in ClinVar's aggregate classification.

Literature cited by the submitters: PubMed 17576681 (cited by Labcorp Genetics (formerly Invitae), Labcorp); PubMed 9536098 (cited by Labcorp Genetics (formerly Invitae), Labcorp).

NM_001374736.1(DST):c.22959+3A>G

Gene: DST (dystonin; minus strand). Cytogenetic location: 6p12.1.
Variant type: single nucleotide variant.
Coding change: c.22959+3A>G on transcript NM_001374736.1 (MANE Select); 3 bases into the intron after coding-DNA position 22959, A replaced by G.
Molecular consequence: intron variant.
Genome position (GRCh38, 1-based): chr6:56,463,562, T>C on the plus strand (A>G on the coding strand, the complement: DST is on the minus strand). VCF-style: chr6-56463562-T-C. GRCh37 (hg19) VCF-style: chr6-56328360-T-C.
Other names: c.16530+3A>G (NM_001144769.5); c.22887+3A>G (NM_001374722.1); c.22914+3A>G (NM_001374734.1); c.16116+3A>G (NM_001144770.2); c.15741+3A>G (NM_001374730.1); c.15996+3A>G (NM_183380.4); c.21999+3A>G (NM_001374729.1); c.15018+3A>G (NM_015548.5).
Identifiers: ClinVar variation 965205 (VCV000965205.12), dbSNP rs375303601, ClinGen allele CA3866105.